The following is an entry in ClinVar:

ClinVar aggregate classification (germline): Uncertain significance. Review status: criteria provided, multiple submitters, no conflicts (2 of 4 stars). 2 submissions from 2 submitters: Uncertain significance (2). Last evaluated 2024-12-21.

Conditions:
Inborn genetic diseases. Identifiers: MedGen C0950123, MeSH D030342.

Allele frequency attached by ClinVar (database versions not stated): TOPMed 0.00002; gnomAD 0.00003.
gnomAD v4.1: 38 of 1,611,368 alleles (0.0024%); highest among the groups gnomAD compares: African/African-American, 0.0054%; no homozygotes.

Submissions (2):

Ambry Genetics
Classification: Uncertain significance for Inborn genetic diseases. Last evaluated: 2024-12-21. Review status: criteria provided, single submitter. Criteria: Ambry Variant Classification Scheme 2023. Collection method: clinical testing. Allele origin: germline.

Labcorp Genetics (formerly Invitae), Labcorp
Classification: Uncertain significance. Last evaluated: 2022-06-20. Review status: criteria provided, single submitter. Criteria: Invitae Variant Classification Sherloc (09022015). Collection method: clinical testing. Allele origin: germline.
Comment: This sequence change replaces valine, which is neutral and non-polar, with leucine, which is neutral and non-polar, at codon 383 of the CNGA3 protein (p.Val383Leu). This variant is present in population databases (rs377737921, gnomAD 0.007%). In summary, the available evidence is currently insufficient to determine the role of this variant in disease. Therefore, it has been classified as a Variant of Uncertain Significance. Advanced modeling of protein sequence and biophysical properties (such as structural, functional, and spatial information, amino acid conservation, physicochemical variation, residue mobility, and thermodynamic stability) performed at Invitae indicates that this missense variant is not expected to disrupt CNGA3 protein function. ClinVar contains an entry for this variant (Variation ID: 1056599). This variant has not been reported in the literature in individuals affected with CNGA3-related conditions.

NM_001298.3(CNGA3):c.1147G>C (p.Val383Leu)

Gene: CNGA3 (cyclic nucleotide gated channel subunit alpha 3; plus strand). Cytogenetic location: 2q11.2.
Variant type: single nucleotide variant.
Coding change: c.1147G>C on transcript NM_001298.3 (MANE Select); coding-DNA position 1147, G replaced by C.
Protein change: p.Val383Leu; replaces valine 383 with leucine.
Molecular consequence: missense variant.
Genome position (GRCh38, 1-based): chr2:98,396,317, G>C. VCF-style: chr2-98396317-G-C. GRCh37 (hg19) VCF-style: chr2-99012780-G-C.
Other names: c.1093G>C, p.Val365Leu (NM_001079878.2); c.1147G>C (NM_001298.2); short protein forms V365L, V383L.
Identifiers: ClinVar variation 1056599 (VCV001056599.9), dbSNP rs377737921, ClinGen allele CA1793953.